The following is an entry in ClinVar:

ClinVar aggregate classification (germline): Uncertain significance (1 of 4 stars; one submission).

Allele frequency attached by ClinVar (database versions not stated): ExAC 0.00001; gnomAD exomes 0.00002 and 0.00012; gnomAD 0.00034 and 0.00035; TOPMed 0.00039.
gnomAD v4.1: 78 of 1,613,848 alleles (0.0048%); highest among the groups gnomAD compares: Admixed American, 0.13%; 1 homozygote.

Submission:

Labcorp Genetics (formerly Invitae), Labcorp
Classification: Uncertain significance. Last evaluated: 2022-08-09. Review status: criteria provided, single submitter. Criteria: Invitae Variant Classification Sherloc (09022015). Collection method: clinical testing. Allele origin: germline.
Comment: This sequence change replaces asparagine, which is neutral and polar, with aspartic acid, which is acidic and polar, at codon 908 of the VPS11 protein (p.Asn908Asp). This variant is present in population databases (rs781980759, gnomAD 0.08%). This variant has not been reported in the literature in individuals affected with VPS11-related conditions. ClinVar contains an entry for this variant (Variation ID: 1429077). In summary, the available evidence is currently insufficient to determine the role of this variant in disease. Therefore, it has been classified as a Variant of Uncertain Significance.

NM_021729.6(VPS11):c.2722A>G (p.Asn908Asp)

Gene: VPS11 (VPS11 core subunit of CORVET and HOPS complexes; plus strand). Cytogenetic location: 11q23.3.
Variant type: single nucleotide variant.
Coding change: c.2722A>G on transcript NM_021729.6 (MANE Select); coding-DNA position 2722, A replaced by G.
Protein change: p.Asn908Asp; replaces asparagine 908 with aspartic acid.
Molecular consequence: missense variant. On other transcripts: non-coding transcript variant (8).
Genome position (GRCh38, 1-based): chr11:119,081,519, A>G. VCF-style: chr11-119081519-A-G. GRCh37 (hg19) VCF-style: chr11-118952229-A-G.
Other names: c.2692A>G, p.Asn898Asp (NM_001290185.2); c.2734A>G, p.Asn912Asp (NM_001378218.1, NM_001378219.1); c.2707A>G, p.Asn903Asp (NM_001378220.1); c.2704A>G, p.Asn902Asp (NM_001378221.1); short protein forms N898D, N903D, N908D, N912D, N902D.
Identifiers: ClinVar variation 1429077 (VCV001429077.5), dbSNP rs781980759, ClinGen allele CA6313777.